The following is an entry in ClinVar:

NM_001111125.3(IQSEC2):c.598C>G (p.Arg200Gly)

Gene: IQSEC2 (IQ motif and Sec7 domain ArfGEF 2; minus strand). Cytogenetic location: Xp11.22.
Variant type: single nucleotide variant.
Coding change: c.598C>G on transcript NM_001111125.3 (MANE Select); coding-DNA position 598, C replaced by G.
Protein change: p.Arg200Gly; replaces arginine 200 with glycine.
Molecular consequence: missense variant.
Genome position (GRCh38, 1-based): chrX:53,320,526, G>C on the plus strand (C>G on the coding strand, the complement: IQSEC2 is on the minus strand). VCF-style: chrX-53320526-G-C. GRCh37 (hg19) VCF-style: chrX-53349724-G-C.
Other names: short protein forms R200G.
Identifiers: ClinVar variation 676984 (VCV000676984.1), dbSNP rs1602382928, ClinGen allele CA413239003.

ClinVar aggregate classification (germline): Likely benign (1 of 4 stars; one submission).

Submission:

GeneDx
Classification: Likely benign. Last evaluated: 2018-03-20. Review status: criteria provided, single submitter. Criteria: GeneDx Variant Classification (06012015). Collection method: clinical testing. Allele origin: germline. Affected: yes.
Comment: This variant is considered likely benign or benign based on one or more of the following criteria: it is a conservative change, it occurs at a poorly conserved position in the protein, it is predicted to be benign by multiple in silico algorithms, and/or has population frequency not consistent with disease.